The following is an entry in ClinVar:

ClinVar aggregate classification (germline): Uncertain significance (1 of 4 stars; one submission).

Submission:

Dasa
Classification: Uncertain significance. Last evaluated: 2026-06-18. Review status: criteria provided, single submitter. Criteria: DASA Assertion Criteria. Collection method: clinical testing. Allele origin: germline.
Comment: NM_021035.3(ZNFX1):c.2729C>T (p.Thr910Ile) is a missense variant that results in the substitution of threonine with isoleucine. This variant is absent from population databases. The currently available literature and clinical evidence are not sufficient to establish a definitive association between this variant and the reported condition. Therefore, this variant is classified as a variant of uncertain significance.

NM_021035.3(ZNFX1):c.2729C>T (p.Thr910Ile)

Gene: ZNFX1 (zinc finger NFX1-type containing 1; minus strand). Cytogenetic location: 20q13.13.
Variant type: single nucleotide variant.
Coding change: c.2729C>T on transcript NM_021035.3 (MANE Select); coding-DNA position 2729, C replaced by T.
Protein change: p.Thr910Ile; replaces threonine 910 with isoleucine.
Molecular consequence: missense variant.
Genome position (GRCh38, 1-based): chr20:49,255,883, G>A on the plus strand (C>T on the coding strand, the complement: ZNFX1 is on the minus strand). VCF-style: chr20-49255883-G-A. GRCh37 (hg19) VCF-style: chr20-47872420-G-A.
Other names: short protein forms T910I.
Identifiers: ClinVar variation 5020350 (VCV005020350.1).
Genomic context (GRCh38, chr20:49,255,883, plus strand): 5'-CGAGAACTGAGGTCCAGCTGCCAAACATCCTCGATCTCGTTGGCCTCGGCTGCAGTCATG[G>A]TGTTCAGTTTGCGAAGCTCATCCTTCACTCTTTTTTTCATTTTCTTTTTCTGGTTGCGCT-3'
Protein context (NP_066363.1, residues 900-920): RVKDELRKLN[Thr910Ile]MTAAEANEIE